The following is an entry in ClinVar:

ClinVar aggregate classification (germline): Uncertain significance. Review status: criteria provided, multiple submitters, no conflicts (2 of 4 stars). 2 submissions from 2 submitters: Uncertain significance (2). Last evaluated 2022-12-14.

Conditions:
Cystic fibrosis (CF). Also called: MUCOVISCIDOSIS. Identifiers: Orphanet 586, MedGen C0010674, MONDO:0009061, OMIM 219700. Disease mechanism: loss of function.
CFTR-related disorder (CFTR-RD). Also called: CFTR-related disorders; CFTR-related condition. Identifiers: MedGen C5924204, MONDO:7770004.

Allele frequency attached by ClinVar (database versions not stated): TOPMed below 0.00001.

Submissions (2):

Ambry Genetics
Classification: Uncertain significance for Cystic fibrosis. Last evaluated: 2022-12-14. Review status: criteria provided, single submitter. Criteria: Ambry Variant Classification Scheme 2023. Collection method: clinical testing. Allele origin: germline.
Comment: The p.P759T variant (also known as c.2275C>A), located in coding exon 14 of the CFTR gene, results from a C to A substitution at nucleotide position 2275. The proline at codon 759 is replaced by threonine, an amino acid with highly similar properties. This amino acid position is conserved. In addition, the in silico prediction for this alteration is inconclusive. Since supporting evidence is limited at this time, the clinical significance of this alteration remains unclear.

PreventionGenetics, part of Exact Sciences
Classification: Uncertain significance for CFTR-related condition. Last evaluated: 2022-12-04. Review status: criteria provided, single submitter. Criteria: ACMG Guidelines, 2015. Collection method: clinical testing. Allele origin: germline.
Comment: The CFTR c.2275C>A variant is predicted to result in the amino acid substitution p.Pro759Thr. To our knowledge, this variant has not been reported in the literature or in a large population database, indicating this variant is rare. At this time, the clinical significance of this variant is uncertain due to the absence of conclusive functional and genetic evidence.

NM_000492.4(CFTR):c.2275C>A (p.Pro759Thr)

Gene: CFTR (CF transmembrane conductance regulator; plus strand). Cytogenetic location: 7q31.2.
Variant type: single nucleotide variant.
Coding change: c.2275C>A on transcript NM_000492.4 (MANE Select); coding-DNA position 2275, C replaced by A.
Protein change: p.Pro759Thr; replaces proline 759 with threonine.
Molecular consequence: missense variant.
Genome position (GRCh38, 1-based): chr7:117,592,442, C>A. VCF-style: chr7-117592442-C-A. GRCh37 (hg19) VCF-style: chr7-117232496-C-A.
Other names: short protein forms P759T.
Identifiers: ClinVar variation 2447419 (VCV002447419.3), dbSNP rs1792045795, ClinGen allele CA368980778.